The following is an entry in ClinVar:

ClinVar aggregate classification (germline): Conflicting classifications of pathogenicity. Review status: criteria provided, conflicting classifications (1 of 4 stars). 2 submissions from 2 submitters: Likely pathogenic (1); Uncertain significance (1). Last evaluated 2024-10-30.

Conditions:
Early-infantile DEE. Also called: Early infantile epileptic encephalopathy; Ohtahara syndrome; Early infantile epileptic encephalopathy with suppression bursts. Identifiers: Orphanet 1934, MedGen C0393706, MONDO:0800491.

Submissions (2):

Labcorp Genetics (formerly Invitae), Labcorp
Classification: Uncertain significance for Early-infantile DEE. Last evaluated: 2024-10-30. Review status: criteria provided, single submitter. Criteria: Invitae Variant Classification Sherloc (09022015). Collection method: clinical testing. Allele origin: germline.
Comment: This sequence change replaces glutamic acid, which is acidic and polar, with glutamine, which is neutral and polar, at codon 1787 of the SCN1A protein (p.Glu1787Gln). This variant is not present in population databases (gnomAD no frequency). This variant has not been reported in the literature in individuals affected with SCN1A-related conditions. ClinVar contains an entry for this variant (Variation ID: 963515). Invitae Evidence Modeling of protein sequence and biophysical properties (such as structural, functional, and spatial information, amino acid conservation, physicochemical variation, residue mobility, and thermodynamic stability) indicates that this missense variant is expected to disrupt SCN1A protein function with a positive predictive value of 95%. In summary, the available evidence is currently insufficient to determine the role of this variant in disease. Therefore, it has been classified as a Variant of Uncertain Significance.

GeneDx
Classification: Likely pathogenic. Last evaluated: 2024-04-30. Review status: criteria provided, single submitter. Criteria: GeneDx Variant Classification Process June 2021. Collection method: clinical testing. Allele origin: germline.
Comment: Not observed at significant frequency in large population cohorts (gnomAD); In silico analysis supports that this missense variant has a deleterious effect on protein structure/function; This substitution is predicted to be within the C-terminal cytoplasmic domain; Has not been previously published as pathogenic or benign to our knowledge

NM_001165963.4(SCN1A):c.5359G>C (p.Glu1787Gln)

Genes: SCN1A (sodium voltage-gated channel alpha subunit 1; minus strand), LOC102724058 (uncharacterized LOC102724058; plus strand). Cytogenetic location: 2q24.3.
Variant type: single nucleotide variant.
Coding change: c.5359G>C on transcript NM_001165963.4 (MANE Select); coding-DNA position 5359, G replaced by C.
Protein change: p.Glu1787Gln; replaces glutamic acid 1787 with glutamine.
Molecular consequence: missense variant. On other transcripts: non-coding transcript variant (1).
Genome position (GRCh38, 1-based): chr2:165,991,916, C>G on the plus strand (G>C on the coding strand, the complement: SCN1A is on the minus strand). VCF-style: chr2-165991916-C-G. GRCh37 (hg19) VCF-style: chr2-166848426-C-G.
Other names: c.5275G>C, p.Glu1759Gln (NM_001165964.3, NM_001353957.2, NM_001353958.2); c.5359G>C, p.Glu1787Gln (NM_001202435.3, NM_001353948.2); c.5326G>C, p.Glu1776Gln (NM_001353949.2, NM_001353950.2, NM_001353951.2 and 2 more transcripts); c.5323G>C, p.Glu1775Gln (NM_001353954.2, NM_001353955.2); c.5272G>C, p.Glu1758Gln (NM_001353960.2); c.2917G>C, p.Glu973Gln (NM_001353961.2); short protein forms E1758Q, E1759Q, E1776Q, E1787Q, E973Q, E1775Q.
Identifiers: ClinVar variation 963515 (VCV000963515.11), dbSNP rs121917916, ClinGen allele CA349068008.
Genomic context (GRCh38, chr2:165,991,916, plus strand): 5'-TCTCAAAGTCATCCTCACTCAGAGGCTCTGCACTTTCTTCAGTAGCAACACTGAAGTTCT[C>G]CAGGATGACCGCGATGTACATGTTCACCACAACCAGGAAGGATATGATGATGTAACTGAC-3'
Protein context (NP_001159435.1, residues 1777-1797): VVNMYIAVIL[Glu1787Gln]NFSVATEESA